The following is an entry in ClinVar:

NM_013447.4(ADGRE2):c.1650C>A (p.Cys550Ter)

Gene: ADGRE2 (adhesion G protein-coupled receptor E2; minus strand). Cytogenetic location: 19p13.12.
Variant type: single nucleotide variant.
Coding change: c.1650C>A on transcript NM_013447.4 (MANE Select); coding-DNA position 1650, C replaced by A.
Protein change: p.Cys550Ter; replaces cysteine 550 with a stop codon.
Molecular consequence: nonsense.
Genome position (GRCh38, 1-based): chr19:14,752,467, G>T on the plus strand (C>A on the coding strand, the complement: ADGRE2 is on the minus strand). VCF-style: chr19-14752467-G-T. GRCh37 (hg19) VCF-style: chr19-14863279-G-T.
Other names: c.1476C>A, p.Cys492Ter (NM_001271052.1); c.1503C>A, p.Cys501Ter (NM_152916.2); c.1371C>A, p.Cys457Ter (NM_152917.2); short protein forms C550*, C492*, C501*, C457*.
Identifiers: ClinVar variation 2893250 (VCV002893250.4), dbSNP rs200185787, ClinGen allele CA305701908.
Genomic context (GRCh38, chr19:14,752,467, plus strand): 5'-TGAGGTGCTGGTGTTCTGGATGGCTTTACACAGGAGAAAAGTGAGGGCCGCCAGGAGGAG[G>T]CACAGCAGAGAGACGCTCAGCCCCATGTAGGTGATGACAGTCAGCACGGGATCCTCCTCC-3'

ClinVar aggregate classification (germline): Uncertain significance. Review status: criteria provided, multiple submitters, no conflicts (2 of 4 stars). 2 submissions from 2 submitters: Uncertain significance (2). Last evaluated 2025-11-03.

Conditions:
Autosomal dominant vibratory urticaria. Identifiers: Orphanet 493342, MedGen CN313132, MONDO:0007447.

Allele frequency attached by ClinVar (database versions not stated): ESP Exome Variant Server 0.00008.
gnomAD v4.1: 42 of 1,614,038 alleles (0.0026%); highest among the groups gnomAD compares: Non-Finnish European, 0.0034%; no homozygotes.

Submissions (2):

Labcorp Genetics (formerly Invitae), Labcorp
Classification: Uncertain significance. Last evaluated: 2025-11-03. Review status: criteria provided, single submitter. Criteria: Invitae Variant Classification Sherloc (09022015). Collection method: clinical testing. Allele origin: germline.
Comment: This sequence change creates a premature translational stop signal (p.Cys550*) in the ADGRE2 gene. It is expected to result in an absent or disrupted protein product. However, the current clinical and genetic evidence is not sufficient to establish whether loss-of-function variants in ADGRE2 cause disease. This variant is present in population databases (rs200185787, gnomAD 0.007%). This variant has not been reported in the literature in individuals affected with ADGRE2-related conditions. ClinVar contains an entry for this variant (Variation ID: 2893250). In summary, the available evidence is currently insufficient to determine the role of this variant in disease. Therefore, it has been classified as a Variant of Uncertain Significance.

Department of Pathology and Laboratory Medicine, Sinai Health System
Classification: Uncertain significance for autosomal dominant vibratory urticaria. Last evaluated: 2022-02-14. Review status: criteria provided, single submitter. Criteria: ACMG Guidelines, 2015. Collection method: research. Allele origin: germline.